The following is an entry in ClinVar:

ClinVar aggregate classification (germline): Likely benign (1 of 4 stars; one submission).

Submission:

CeGaT Center for Human Genetics Tuebingen
Classification: Likely benign. Last evaluated: 2023-03-01. Review status: criteria provided, single submitter. Criteria: CeGaT Center For Human Genetics Tuebingen Variant Classification Criteria Version 2. Collection method: clinical testing. Allele origin: germline. Affected: yes. Observed: 1 variant allele.
Comment: SPOCK1: PM2:Supporting, BP4, BP7

NM_004598.4(SPOCK1):c.105C>T (p.His35=)

Gene: SPOCK1 (SPARC (osteonectin), cwcv and kazal like domains proteoglycan 1; minus strand). Cytogenetic location: 5q31.2.
Variant type: single nucleotide variant.
Coding change: c.105C>T on transcript NM_004598.4 (MANE Select); coding-DNA position 105, C replaced by T.
Protein change: p.His35=; no amino-acid change (histidine 35 retained).
Molecular consequence: synonymous variant.
Genome position (GRCh38, 1-based): chr5:137,498,454, G>A on the plus strand (C>T on the coding strand, the complement: SPOCK1 is on the minus strand). VCF-style: chr5-137498454-G-A. GRCh37 (hg19) VCF-style: chr5-136834143-G-A.
Identifiers: ClinVar variation 2655713 (VCV002655713.24), dbSNP rs1247765993, ClinGen allele CA446707192.